The following is an entry in ClinVar:

ClinVar aggregate classification (germline): Uncertain significance. Review status: criteria provided, multiple submitters, no conflicts (2 of 4 stars). 2 submissions from 2 submitters: Uncertain significance (2). Last evaluated 2019-11-28.

gnomAD v4.1: 2 of 1,613,818 alleles (0.00012%); highest among the groups gnomAD compares: Non-Finnish European, 0.00017%; no homozygotes.

Submissions (2):

Labcorp Genetics (formerly Invitae), Labcorp
Classification: Uncertain significance. Last evaluated: 2019-11-28. Review status: criteria provided, single submitter. Criteria: Invitae Variant Classification Sherloc (09022015). Collection method: clinical testing. Allele origin: germline.
Comment: Algorithms developed to predict the effect of missense changes on protein structure and function are either unavailable or do not agree on the potential impact of this missense change (SIFT: "Deleterious"; PolyPhen-2: "Probably Damaging"; Align-GVGD: "Class C65"). In summary, the available evidence is currently insufficient to determine the role of this variant in disease. Therefore, it has been classified as a Variant of Uncertain Significance. This variant has been observed in individual(s) with clinical features of cone-rod dystrophy (Invitae). This variant is not present in population databases (ExAC no frequency). This sequence change replaces glycine with arginine at codon 69 of the GUCA1A protein (p.Gly69Arg). The glycine residue is highly conserved and there is a moderate physicochemical difference between glycine and arginine.

Blueprint Genetics
Classification: Uncertain significance. Last evaluated: 2018-11-16. Review status: criteria provided, single submitter. Criteria: ACMG Guidelines, 2015. Collection method: clinical testing. Allele origin: germline.

NM_001384910.1(GUCA1A):c.205G>C (p.Gly69Arg)

Genes: GUCA1ANB-GUCA1A (GUCA1ANB-GUCA1A readthrough; plus strand), GUCA1A (guanylate cyclase activator 1A; plus strand). Cytogenetic location: 6p21.1.
Variant type: single nucleotide variant.
Coding change: c.205G>C on transcript NM_001384910.1 (MANE Select); coding-DNA position 205, G replaced by C.
Protein change: p.Gly69Arg; replaces glycine 69 with arginine.
Molecular consequence: missense variant.
Genome position (GRCh38, 1-based): chr6:42,178,283, G>C. VCF-style: chr6-42178283-G-C. GRCh37 (hg19) VCF-style: chr6-42146021-G-C.
Other names: c.205G>C, p.Gly69Arg (NM_000409.5, NM_001319061.2, NM_001319062.2); short protein forms G69R.
Identifiers: ClinVar variation 841637 (VCV000841637.10), dbSNP rs146354667, ClinGen allele CA364108581.